The following is an entry in ClinVar:

ClinVar aggregate classification (germline): Pathogenic/Likely pathogenic. Review status: criteria provided, multiple submitters, no conflicts (2 of 4 stars). 2 submissions from 2 submitters: Pathogenic (1); Likely pathogenic (1). Last evaluated 2025-05-25.

Conditions:
Hereditary cancer-predisposing syndrome. Also called: Hereditary Cancer Syndrome; Hereditary neoplastic syndrome; Neoplastic Syndromes, Hereditary; Tumor predisposition. Identifiers: Orphanet 140162, MedGen C0027672, MeSH D009386, MONDO:0015356.
Cardiovascular phenotype. Identifiers: MedGen CN230736.

gnomAD v4.1: 1 of 1,613,476 alleles (0.000062%); highest among the groups gnomAD compares: Non-Finnish European, 0.000085%; no homozygotes.

Submissions (2):

Ambry Genetics
Classification: Likely pathogenic for Cardiovascular phenotype; Hereditary cancer-predisposing syndrome. Last evaluated: 2025-05-25. Review status: criteria provided, single submitter. Criteria: Ambry Variant Classification Scheme 2023. Collection method: clinical testing. Allele origin: germline.
Comment: The c.2325+1G>T intronic variant results from a G to T substitution one nucleotide after coding exon 19 of the LZTR1 gene. This variant is considered to be rare based on population cohorts in the Genome Aggregation Database (gnomAD). This nucleotide position is highly conserved in available vertebrate species. In silico splice site analysis predicts that this alteration will weaken the native splice donor site. Alterations that disrupt the canonical splice site are expected to cause aberrant splicing, resulting in an abnormal protein or a transcript that is subject to nonsense-mediated mRNA decay. Loss-of-function variants in LZTR1 are related to an increased risk for schwannomas and autosomal recessive Noonan syndrome; however, such associations with autosomal dominant Noonan syndrome have not been observed (Piotrowski A et al. Nat Genet. 2014 Feb;46:182-7; Yamamoto GL et al. J Med Genet. 2015 Jun;52:413-21; Johnston JJ et al. Genet Med. 2018 10;20:1175-1185). Based on the supporting evidence, this variant is likely pathogenic for an increased risk of LZTR1-related schwannomatosis (SWN) and would be expected to cause autosomal recessive Noonan syndrome when present along with a second pathogenic or likely pathogenic variant on the other allele; however, the association of this alteration with autosomal dominant Noonan syndrome is unlikely.

Labcorp Genetics (formerly Invitae), Labcorp
Classification: Pathogenic. Last evaluated: 2022-08-15. Review status: criteria provided, single submitter. Criteria: Invitae Variant Classification Sherloc (09022015). Collection method: clinical testing. Allele origin: germline.
Comment: This sequence change affects a donor splice site in intron 19 of the LZTR1 gene. It is expected to disrupt RNA splicing. Variants that disrupt the donor or acceptor splice site typically lead to a loss of protein function (PMID: 16199547), and loss-of-function variants in LZTR1 are known to be pathogenic (PMID: 24362817, 25335493, 25480913, 25795793, 29469822, 30442762, 30442766, 30481304, 30859559). This variant is not present in population databases (gnomAD no frequency). Disruption of this splice site has been observed in individual(s) with Noonan syndrome (PMID: 29469822). In at least one individual the data is consistent with being in trans (on the opposite chromosome) from a pathogenic variant. ClinVar contains an entry for this variant (Variation ID: 1451894). Algorithms developed to predict the effect of sequence changes on RNA splicing suggest that this variant may disrupt the consensus splice site. For these reasons, this variant has been classified as Pathogenic.

Literature cited by the submitters: PubMed 16199547 (cited by Labcorp Genetics (formerly Invitae), Labcorp); PubMed 24362817 (cited by Labcorp Genetics (formerly Invitae), Labcorp); PubMed 25335493 (cited by Labcorp Genetics (formerly Invitae), Labcorp); PubMed 25480913 (cited by Labcorp Genetics (formerly Invitae), Labcorp); PubMed 25795793 (cited by Labcorp Genetics (formerly Invitae), Labcorp); PubMed 29469822 (cited by Labcorp Genetics (formerly Invitae), Labcorp); PubMed 30442762 (cited by Labcorp Genetics (formerly Invitae), Labcorp); PubMed 30442766 (cited by Labcorp Genetics (formerly Invitae), Labcorp); PubMed 30481304 (cited by Labcorp Genetics (formerly Invitae), Labcorp); PubMed 30859559 (cited by Labcorp Genetics (formerly Invitae), Labcorp).

NM_006767.4(LZTR1):c.2325+1G>T

Gene: LZTR1 (leucine zipper like post translational regulator 1; plus strand). Cytogenetic location: 22q11.21.
Variant type: single nucleotide variant.
Coding change: c.2325+1G>T on transcript NM_006767.4 (MANE Select); the canonical splice donor site of the intron after coding-DNA position 2325, G replaced by T.
Molecular consequence: splice donor variant.
Genome position (GRCh38, 1-based): chr22:20,996,802, G>T. VCF-style: chr22-20996802-G-T. GRCh37 (hg19) VCF-style: chr22-21351091-G-T.
Other names: c.2325+1G>T (NM_006767.3).
Identifiers: ClinVar variation 1451894 (VCV001451894.7), dbSNP rs1263566071, ClinGen allele CA410780951.